The following is an entry in ClinVar:

ClinVar aggregate classification (germline): Conflicting classifications of pathogenicity. Review status: criteria provided, conflicting classifications (1 of 4 stars). 12 submissions from 11 submitters: Uncertain significance (1); Benign (10). 1 of the submissions does not count toward it. Last evaluated 2026-02-04.

Conditions:
Corneal dystrophy. Identifiers: Orphanet 34533, MedGen C0010036, MONDO:0018102, HP:0001131.
Congenital hereditary endothelial dystrophy of cornea. Also called: CORNEAL DYSTROPHY, CONGENITAL HEREDITARY ENDOTHELIAL; Congenital hereditary endothelial dystrophy of the cornea; Maumenee corneal dystrophy; Corneal endothelial dystrophy, autosomal recessive; Congenital hereditary endothelial dystrophy type II. Identifiers: Orphanet 293603, MedGen C1857569, MONDO:0009019, OMIM 217700.
Corneal dystrophy-perceptive deafness syndrome (CDPD). Also called: CORNEAL DYSTROPHY AND SENSORINEURAL DEAFNESS; HARBOYAN SYNDROME. Identifiers: Orphanet 1490, MedGen C1857572, MONDO:0009015, OMIM 217400.

Allele frequency attached by ClinVar (database versions not stated): 1000 Genomes Project 0.47983; ESP Exome Variant Server 0.48093; 1000 Genomes Project 30x 0.48766; gnomAD 0.49054; TOPMed 0.49533.
gnomAD v4.1: 674,637 of 1,613,864 alleles (42%); highest among the groups gnomAD compares: African/African-American, 65%; 145,352 homozygotes.

Submissions (12):

Labcorp Genetics (formerly Invitae), Labcorp
Classification: Benign. Last evaluated: 2026-02-04. Review status: criteria provided, single submitter. Criteria: Invitae Variant Classification Sherloc (09022015). Collection method: clinical testing. Allele origin: germline.

Blueprint Genetics
Classification: Benign. Last evaluated: 2024-11-28. Review status: criteria provided, single submitter. Criteria: ACMG Guidelines, 2015. Collection method: clinical testing. Allele origin: germline.

Mayo Clinic Laboratories, Mayo Clinic
Classification: Benign. Last evaluated: 2023-11-08. Review status: criteria provided, single submitter. Criteria: ACMG Guidelines, 2015. Collection method: clinical testing. Allele origin: germline. Observed: 35 variant alleles.
Comment: BA1, BS2

Prof. Brien Holden Eye Research Center, Hyderabad Eye Research Foundation, L V Prasad Eye Institute
Classification: Uncertain significance for Congenital hereditary endothelial dystrophy of cornea. Last evaluated: 2022-08-07. Review status: criteria provided, single submitter. Criteria: ACMG Guidelines, 2015. Collection method: case-control. Allele origin: unknown. Affected: yes.
Comment: Opaque cornea with reduced visual acuity. This change was observed with the other variant (NM_032034.4:c.[2413_2414insT]).

A non-consanguineous Indian family with two affected members presented with a CHED clinical phenotype. Both affected siblings showed varying degrees of corneal clouding with reduced visual acuity. Both the siblings were identified with a substitution of A>C at cDNA 481 position (p.Arg161Arg). The synonymous change (p.Arg161Arg) has also been previously reported as rs3827075 in the SNP database in few of the healthy controls. This change was not observed in the 80 healthy Indian controls. This variation was observed as compound heterozygous change along with an insertion of T at cDNA 2413 position (p.Val805fs).

Women's Health and Genetics/Laboratory Corporation of America, LabCorp
Classification: Benign. Last evaluated: 2021-12-03. Review status: criteria provided, single submitter. Criteria: LabCorp Variant Classification Summary - May 2015. Collection method: clinical testing. Allele origin: germline.

Molecular Genetics, Royal Melbourne Hospital
Classification: Benign for Corneal dystrophy-perceptive deafness syndrome. Last evaluated: 2021-10-04. Review status: criteria provided, single submitter. Criteria: ACMG Guidelines, 2015. Collection method: clinical testing. Allele origin: germline. Affected: no.
Comment: Population allele frequency is 44% (rs3827075, 122,773/276,940 alleles in gnomAD v2.0.2). Based on the classification scheme RMH ACMG Guidelines v1.1.1, this variant is classified as Benign. Following criteria met: BA1

Genome-Nilou Lab
Classification: Benign for Corneal dystrophy-perceptive deafness syndrome. Last evaluated: 2021-07-10. Review status: criteria provided, single submitter. Criteria: ACMG Guidelines, 2015. Collection method: clinical testing. Allele origin: germline. Affected: no.

Genome-Nilou Lab
Classification: Benign for Congenital hereditary endothelial dystrophy of cornea. Last evaluated: 2021-07-10. Review status: criteria provided, single submitter. Criteria: ACMG Guidelines, 2015. Collection method: clinical testing. Allele origin: germline. Affected: no.

Illumina Laboratory Services, Illumina
Classification: Benign for Corneal dystrophy. Last evaluated: 2018-03-06. Review status: criteria provided, single submitter. Criteria: ICSL Variant Classification Criteria 13 December 2019. Collection method: clinical testing. Allele origin: germline.
Comment: This variant was observed in the ICSL laboratory as part of a predisposition screen in an ostensibly healthy population. It had not been previously curated by ICSL or reported in the Human Gene Mutation Database (HGMD: prior to June 1st, 2018), and was therefore a candidate for classification through an automated scoring system. Utilizing variant allele frequency, disease prevalence and penetrance estimates, and inheritance mode, an automated score was calculated to assess if this variant is too frequent to cause the disease. Based on the score and internal cut-off values, a variant classified as benign is not then subjected to further curation. The score for this variant resulted in a classification of benign for this disease.

Breakthrough Genomics
Classification: Benign. Review status: criteria provided, single submitter. Criteria: ACMG Guidelines, 2015. Collection method: not provided. Allele origin: germline. Inheritance: Autosomal recessive inheritance. Affected: yes.

PreventionGenetics, part of Exact Sciences
Classification: Benign. Review status: criteria provided, single submitter. Criteria: ACMG Guidelines, 2015. Collection method: clinical testing. Allele origin: germline.

Natera, Inc.
Classification: Benign for Corneal dystrophy-perceptive deafness syndrome. Last evaluated: 2019-11-19. Review status: no assertion criteria provided. Collection method: clinical testing. Allele origin: germline. Not counted in ClinVar's aggregate classification.

Literature cited by the submitters: PubMed 36115991 (cited by Mayo Clinic Laboratories, Mayo Clinic).

NM_001174089.2(SLC4A11):c.433A>C (p.Arg145=)

Gene: SLC4A11 (solute carrier family 4 member 11; minus strand). Cytogenetic location: 20p13.
Variant type: single nucleotide variant.
Coding change: c.433A>C on transcript NM_001174089.2 (MANE Select); coding-DNA position 433, A replaced by C.
Protein change: p.Arg145=; no amino-acid change (arginine 145 retained).
Molecular consequence: synonymous variant. On other transcripts: non-coding transcript variant (1).
Genome position (GRCh38, 1-based): chr20:3,234,173, T>G on the plus strand (A>C on the coding strand, the complement: SLC4A11 is on the minus strand). VCF-style: chr20-3234173-T-G. GRCh37 (hg19) VCF-style: chr20-3214819-T-G.
Other names: p.Arg161=; c.562A>C, p.Arg188= (NM_001174090.2); c.433A>C, p.Arg145= (NM_001363745.2); c.481A>C, p.Arg161= (NM_032034.4); c.[481A>C] (NM_032034.4).
Identifiers: ClinVar variation 262001 (VCV000262001.27), dbSNP rs3827075, ClinGen allele CA9742290.